The following is an entry in ClinVar:

NM_002439.5(MSH3):c.2522C>A (p.Ala841Asp)

Gene: MSH3 (mutS homolog 3; plus strand). Cytogenetic location: 5q14.1.
Variant type: single nucleotide variant.
Coding change: c.2522C>A on transcript NM_002439.5 (MANE Select); coding-DNA position 2522, C replaced by A.
Protein change: p.Ala841Asp; replaces alanine 841 with aspartic acid.
Molecular consequence: missense variant.
Genome position (GRCh38, 1-based): chr5:80,787,651, C>A. VCF-style: chr5-80787651-C-A. GRCh37 (hg19) VCF-style: chr5-80083470-C-A.
Other names: short protein forms A841D.
Identifiers: ClinVar variation 2696643 (VCV002696643.3), dbSNP rs2546784366, ClinGen allele CA360283398.

ClinVar aggregate classification (germline): Uncertain significance (1 of 4 stars; one submission).

Submission:

Labcorp Genetics (formerly Invitae), Labcorp
Classification: Uncertain significance. Last evaluated: 2023-11-17. Review status: criteria provided, single submitter. Criteria: Invitae Variant Classification Sherloc (09022015). Collection method: clinical testing. Allele origin: germline.
Comment: This sequence change replaces alanine, which is neutral and non-polar, with aspartic acid, which is acidic and polar, at codon 841 of the MSH3 protein (p.Ala841Asp). This variant is not present in population databases (gnomAD no frequency). This variant has not been reported in the literature in individuals affected with MSH3-related conditions. An algorithm developed to predict the effect of missense changes on protein structure and function (PolyPhen-2) suggests that this variant is likely to be disruptive. In summary, the available evidence is currently insufficient to determine the role of this variant in disease. Therefore, it has been classified as a Variant of Uncertain Significance.